The following is an entry in ClinVar:

NM_000059.4(BRCA2):c.5043_5046del (p.Ser1682fs)

Gene: BRCA2 (BRCA2 DNA repair associated; plus strand). Cytogenetic location: 13q13.1.
Variant type: Deletion.
Coding change: c.5043_5046del on transcript NM_000059.4 (MANE Select); coding-DNA positions 5043 to 5046, 4 bases deleted (GAGT; older notation c.5043_5046delGAGT).
Protein change: p.Ser1682fs; shifts the reading frame from serine 1682.
Molecular consequence: frameshift variant.
Genome position (GRCh38, 1-based): chr13:32,339,398-32,339,401, GAGT deleted; deleting any 4 consecutive bases within chr13:32,339,396-32,339,401 gives the same sequence; the c. name uses the placement nearest the transcript's 3' end. VCF-style (leftmost placement, unchanged base first): chr13-32339395-TGTGA-T. GRCh37 (hg19) VCF-style: chr13-32913532-TGTGA-T.
Other names: short protein forms S1682fs.
Identifiers: ClinVar variation 1453076 (VCV001453076.6), dbSNP rs2137513225, ClinGen allele CA2573149312.

ClinVar aggregate classification (germline): Pathogenic (1 of 4 stars; one submission).

Conditions:
Hereditary breast ovarian cancer syndrome. Also called: Hereditary breast and ovarian cancer; Hereditary breast and ovarian cancer syndrome (HBOC); Breast and ovarian cancer; Hereditary breast and ovarian cancer syndrome; Hereditary breast and/or ovarian cancer syndrome; BRCA1- and BRCA2-Associated Hereditary Breast and Ovarian Cancer. Identifiers: Orphanet 145, MedGen C0677776, MeSH D061325, MONDO:0003582. Disease mechanism: loss of function.

Submission:

Labcorp Genetics (formerly Invitae), Labcorp
Classification: Pathogenic for Hereditary breast ovarian cancer syndrome. Last evaluated: 2020-12-25. Review status: criteria provided, single submitter. Criteria: Invitae Variant Classification Sherloc (09022015). Collection method: clinical testing. Allele origin: germline.
Comment: This sequence change creates a premature translational stop signal (p.Ser1682Argfs*23) in the BRCA2 gene. It is expected to result in an absent or disrupted protein product. Loss-of-function variants in BRCA2 are known to be pathogenic (PMID: 20104584). This variant is not present in population databases (ExAC no frequency). This variant has not been reported in the literature in individuals with BRCA2-related conditions. For these reasons, this variant has been classified as Pathogenic.

Literature cited by the submitters: PubMed 20104584.